The following is an entry in ClinVar:

ClinVar aggregate classification (germline): Uncertain significance (1 of 4 stars; one submission).

Conditions:
Granulomatous disease, chronic, autosomal recessive, cytochrome b-positive, type 3. Also called: Granulomatous disease, chronic, autosomal recessive, cytochrome b-positive, type III; GRANULOMATOUS DISEASE, CHRONIC, DUE TO NCF4 DEFICIENCY; GRANULOMATOUS DISEASE, CHRONIC, AUTOSOMAL RECESSIVE, 3; CGD, AUTOSOMAL RECESSIVE CYTOCHROME b-POSITIVE, TYPE III. Identifiers: Orphanet 379, MedGen C3151409, MONDO:0013507, OMIM 613960.

Allele frequency attached by ClinVar (database versions not stated): TOPMed below 0.00001.

Submission:

Labcorp Genetics (formerly Invitae), Labcorp
Classification: Uncertain significance for Granulomatous disease, chronic, autosomal recessive, cytochrome b-positive, type 3. Last evaluated: 2022-07-15. Review status: criteria provided, single submitter. Criteria: Invitae Variant Classification Sherloc (09022015). Collection method: clinical testing. Allele origin: germline.
Comment: In summary, the available evidence is currently insufficient to determine the role of this variant in disease. Therefore, it has been classified as a Variant of Uncertain Significance. Algorithms developed to predict the effect of missense changes on protein structure and function are either unavailable or do not agree on the potential impact of this missense change (SIFT: "Deleterious"; PolyPhen-2: "Benign"; Align-GVGD: "Class C0"). This variant has not been reported in the literature in individuals affected with NCF4-related conditions. This variant is not present in population databases (gnomAD no frequency). This sequence change replaces glycine, which is neutral and non-polar, with arginine, which is basic and polar, at codon 259 of the NCF4 protein (p.Gly259Arg).

NM_000631.5(NCF4):c.758+17G>C

Gene: NCF4 (neutrophil cytosolic factor 4; plus strand). Cytogenetic location: 22q12.3.
Variant type: single nucleotide variant.
Coding change: c.758+17G>C on transcript NM_000631.5 (MANE Select); 17 bases into the intron after coding-DNA position 758, G replaced by C.
Molecular consequence: intron variant. On other transcripts: missense variant (1).
Genome position (GRCh38, 1-based): chr22:36,875,800, G>C. VCF-style: chr22-36875800-G-C. GRCh37 (hg19) VCF-style: chr22-37271842-G-C.
Other names: c.775G>C, p.Gly259Arg (NM_013416.4); short protein forms G259R.
Identifiers: ClinVar variation 2146434 (VCV002146434.4), dbSNP rs1940178457, ClinGen allele CA411389183.